The following is an entry in ClinVar:

ClinVar aggregate classification (germline): Uncertain significance (1 of 4 stars; one submission).

Submission:

GeneDx
Classification: Uncertain significance. Last evaluated: 2025-06-21. Review status: criteria provided, single submitter. Criteria: GeneDx Variant Classification Process June 2021. Collection method: clinical testing. Allele origin: germline. Affected: yes.
Comment: Not observed at significant frequency in large population cohorts (gnomAD); In silico analysis supports that this missense variant does not alter protein structure/function; Has not been previously published as pathogenic or benign to our knowledge

NM_015001.3(SPEN):c.6504G>T (p.Gln2168His)

Gene: SPEN (spen family transcriptional repressor; plus strand). Cytogenetic location: 1p36.13.
Variant type: single nucleotide variant.
Coding change: c.6504G>T on transcript NM_015001.3 (MANE Select); coding-DNA position 6504, G replaced by T.
Protein change: p.Gln2168His; replaces glutamine 2168 with histidine.
Molecular consequence: missense variant.
Genome position (GRCh38, 1-based): chr1:15,932,744, G>T. VCF-style: chr1-15932744-G-T. GRCh37 (hg19) VCF-style: chr1-16259239-G-T.
Other names: short protein forms Q2168H.
Identifiers: ClinVar variation 4538615 (VCV004538615.1).